The following is an entry in ClinVar:

ClinVar aggregate classification (germline): Likely benign. Review status: reviewed by expert panel (3 of 4 stars). 10 submissions from 10 submitters: Likely benign (1). 9 of the submissions do not count toward it. Last evaluated 2024-06-25.

Conditions:
VHL-related disorder. Also called: VHL-related condition.
Von Hippel-Lindau syndrome (VHLS). Also called: von Hippel–Lindau syndrome; VHL syndrome; Von Hippel-Lindau. Identifiers: Orphanet 892, MedGen C0019562, MONDO:0008667, OMIM 193300. Disease mechanism: loss of function.
Chuvash polycythemia. Also called: POLYCYTHEMIA, VHL-DEPENDENT. Identifiers: Orphanet 238557, MedGen C1837915, MONDO:0009892, OMIM 263400.
Hereditary cancer-predisposing syndrome. Also called: Tumor predisposition; Hereditary neoplastic syndrome; Hereditary Cancer Syndrome; Neoplastic Syndromes, Hereditary. Identifiers: Orphanet 140162, MedGen C0027672, MeSH D009386, MONDO:0015356.

Allele frequency attached by ClinVar (database versions not stated): gnomAD exomes 0.00003; gnomAD 0.00006; TOPMed 0.00007.
gnomAD v4.1: 27 of 1,540,418 alleles (0.0018%); highest among the groups gnomAD compares: Admixed American, 0.02%; no homozygotes.

Submissions (10):

ClinGen VHL Variant Curation Expert Panel, ClinGen
Classification: Likely benign for Von Hippel-Lindau syndrome. Last evaluated: 2024-06-25. Review status: reviewed by expert panel. Criteria: ClinGen VHL VCEP ACMG Specifications VHL V1. Collection method: curation. Allele origin: germline. Inheritance: Autosomal dominant inheritance.
Comment: The variant NM_000551.4(VHL):c.89G>A (p.Gly30Glu) is a missense variant predicted to cause substitution of Glycine by Glutamic Acid at position 30. This is prior to the second start site at codon 54. The GroupMax Filtering Allele Frequency (95% CI) in gnomAD v4.1.0 is 0.0001073 (10/50204 from Admixed American Population). This is higher than the ClinGen VHL VCEP threshold of >=0.0000156 (0.00156%) threshold expected for VHL disease (BS1). In addition, one commercial laboratory reports at least 3 cases over 60+ with no VHL spectrum tumors, and another commercial laboratory reports too many cases over 65+ without VHL spectrum tumors to review (of 35 cases with no VHL spectrum tumors). The VHL VCEP has determined this meets (BS2_Supporting) due to the number of cases, ages and lack of information on full VHL screening/phenotyping. In summary, this variant meets the criteria to be classified as Likely Benign for autosomal-dominant von Hippel Lindau syndrome (VHL syndrome) based on the ACMG/AMP criteria applied, as specified by the ClinGen VHL VCEP Version 1.0 (Specifications approval date: 02/26/2024. Variant Approval Date 06/25/2024).

Labcorp Genetics (formerly Invitae), Labcorp
Classification: Uncertain significance for Von Hippel-Lindau syndrome; Chuvash polycythemia. Last evaluated: 2025-12-08. Review status: criteria provided, single submitter. Criteria: Invitae Variant Classification Sherloc (09022015). Collection method: clinical testing. Allele origin: germline. Not counted in ClinVar's aggregate classification.
Comment: This sequence change replaces glycine, which is neutral and non-polar, with glutamic acid, which is acidic and polar, at codon 30 of the VHL protein (p.Gly30Glu). This variant is present in population databases (no rsID available, gnomAD 0.02%). This variant has not been reported in the literature in individuals affected with VHL-related conditions. ClinVar contains an entry for this variant (Variation ID: 418538). Invitae Evidence Modeling of protein sequence and biophysical properties (such as structural, functional, and spatial information, amino acid conservation, physicochemical variation, residue mobility, and thermodynamic stability) has been performed for this missense variant. However, the output from this modeling did not meet the statistical confidence thresholds required to predict the impact of this variant on VHL protein function. In summary, the available evidence is currently insufficient to determine the role of this variant in disease. Therefore, it has been classified as a Variant of Uncertain Significance.

Color Diagnostics, LLC DBA Color Health
Classification: Likely benign for Von Hippel-Lindau syndrome. Last evaluated: 2025-07-10. Review status: criteria provided, single submitter. Criteria: ACMG Guidelines, 2015. Collection method: clinical testing. Allele origin: germline. Not counted in ClinVar's aggregate classification.

All of Us Research Program, National Institutes of Health
Classification: Uncertain significance for Von Hippel-Lindau syndrome. Last evaluated: 2024-01-11. Review status: criteria provided, single submitter. Criteria: ACMG Guidelines, 2015. Collection method: clinical testing. Allele origin: germline. Inheritance: Autosomal dominant inheritance. Observed: 6 variant alleles, 6 heterozygotes. Not counted in ClinVar's aggregate classification.
Comment: This missense variant replaces glycine with glutamic acid at codon 30 of the VHL protein. Computational prediction suggests that this variant may not impact protein structure and function (internally defined REVEL score threshold <= 0.5, PMID: 27666373). To our knowledge, functional studies have not been reported for this variant. This variant has not been reported in individuals affected with VHL-related disorders in the literature. This variant has been identified in 7/176170 chromosomes in the general population by the Genome Aggregation Database (gnomAD). The available evidence is insufficient to determine the role of this variant in disease conclusively. Therefore, this variant is classified as a Variant of Uncertain Significance.

This study involves interpretation of variants in research participants for the purpose of population health screening. Participant phenotype was not available at the time of variant classification. Additional details can be found in publication PMID: 35346344, PMCID: PMC8962531

CeGaT Center for Human Genetics Tuebingen
Classification: Uncertain significance. Last evaluated: 2022-08-01. Review status: criteria provided, single submitter. Criteria: CeGaT Center For Human Genetics Tuebingen Variant Classification Criteria Version 2. Collection method: clinical testing. Allele origin: germline. Affected: yes. Observed: 1 variant allele. Not counted in ClinVar's aggregate classification.
Comment: VHL: PM2:Supporting, BP4

Ambry Genetics
Classification: Likely benign for Hereditary cancer-predisposing syndrome. Last evaluated: 2021-08-13. Review status: criteria provided, single submitter. Criteria: Ambry Variant Classification Scheme 2023. Collection method: clinical testing. Allele origin: germline. Not counted in ClinVar's aggregate classification.

Quest Diagnostics Nichols Institute San Juan Capistrano
Classification: Uncertain significance. Last evaluated: 2021-07-20. Review status: criteria provided, single submitter. Criteria: Quest Diagnostics criteria. Collection method: clinical testing. Allele origin: unknown. Not counted in ClinVar's aggregate classification.

GeneDx
Classification: Likely benign. Last evaluated: 2021-01-10. Review status: criteria provided, single submitter. Criteria: GeneDx Variant Classification Process June 2021. Collection method: clinical testing. Allele origin: germline. Affected: yes. Not counted in ClinVar's aggregate classification.

Baylor Genetics
Classification: Uncertain significance for Von Hippel-Lindau syndrome. Last evaluated: 2019-02-21. Review status: criteria provided, single submitter. Criteria: ACMG Guidelines, 2015. Collection method: clinical testing. Allele origin: maternal. Affected: yes. Study: CSER-TexasKidsCanSeq. Not counted in ClinVar's aggregate classification.
Comment: This variant was determined to be of uncertain significance according to ACMG Guidelines, 2015 [PMID:25741868].

PreventionGenetics, part of Exact Sciences
Classification: Uncertain significance for VHL-related condition. Last evaluated: 2024-01-16. Review status: no assertion criteria provided. Collection method: clinical testing. Allele origin: germline. Not counted in ClinVar's aggregate classification.
Comment: The VHL c.89G>A variant is predicted to result in the amino acid substitution p.Gly30Glu. To our knowledge, this variant has not been reported in the literature. This variant is reported in 0.020% of alleles in individuals of Latino descent in gnomAD. At this time, the clinical significance of this variant is uncertain due to the absence of conclusive functional and genetic evidence.

NM_000551.4(VHL):c.89G>A (p.Gly30Glu)

Gene: VHL (von Hippel-Lindau tumor suppressor; plus strand). Cytogenetic location: 3p25.3.
Variant type: single nucleotide variant.
Coding change: c.89G>A on transcript NM_000551.4 (MANE Select); coding-DNA position 89, G replaced by A.
Protein change: p.Gly30Glu; replaces glycine 30 with glutamic acid.
Molecular consequence: missense variant.
Genome position (GRCh38, 1-based): chr3:10,141,936, G>A. VCF-style: chr3-10141936-G-A. GRCh37 (hg19) VCF-style: chr3-10183620-G-A.
Other names: NM_000551.4(VHL):c.89G>A; p.Gly30Glu; c.89G>A, p.Gly30Glu (NM_001354723.2, NM_198156.3); short protein forms G30E.
Identifiers: ClinVar variation 418538 (VCV000418538.45), dbSNP rs1064793290, ClinGen allele CA16617781.